The following is an entry in ClinVar:

ClinVar aggregate classification (germline): Likely pathogenic. Review status: reviewed by expert panel (3 of 4 stars). 26 submissions from 24 submitters: Likely pathogenic (1). 25 of the submissions do not count toward it. Last evaluated 2021-04-12.

Conditions:
Autosomal dominant keratitis-ichthyosis-hearing loss syndrome. Also called: Senter syndrome; HID SYNDROME; KID SYNDROME, AUTOSOMAL DOMINANT. Identifiers: Orphanet 477, MedGen C0265336, MONDO:0007850, OMIM 148210.
Knuckle pads, deafness AND leukonychia syndrome. Also called: Bart-Pumphrey syndrome. Identifiers: Orphanet 2698, MedGen C0266004, MONDO:0007866, OMIM 149200.
Autosomal recessive nonsyndromic hearing loss 1A (DFNB1A). Also called: GJB6-Related DFNB 1 Nonsyndromic Hearing Loss and Deafness; Deafness, autosomal recessive 1A; Nonsyndromic Hearing Loss and Deafness, DFNB1; GJB2-Related Autosomal Recessive Nonsyndromic Hearing Loss; Connexin 26 deafness; Deafness nonsyndromic, Connexin 26 linked. Identifiers: Orphanet 90636, MedGen C2673759, MONDO:0009076, OMIM 220290.
Palmoplantar keratoderma-deafness syndrome. Also called: Keratoderma palmoplantar, with deafness; Palmoplantar keratoderma and sensorineural deafness; Hereditary palmoplantar keratoderma with deafness (subtype); Focal palmoplantar keratoderma with sensorineural deafness (subtype); Diffuse palmoplantar keratoderma with deafness (subtype). Identifiers: Orphanet 2202, MedGen C1835672, MONDO:0007852, OMIM 148350.
Ichthyosis, hystrix-like, with hearing loss. Also called: Hystrix-like ichthyosis with deafness. Identifiers: Orphanet 477, MedGen C1865234, MONDO:0011245.
Autosomal dominant nonsyndromic hearing loss 3A. Identifiers: Orphanet 90635, MedGen C2675750, MONDO:0011103, OMIM 601544.
Mutilating keratoderma (VOWNKL). Also called: Keratoderma hereditarium mutilans. Identifiers: Orphanet 494, MedGen C0265964, MONDO:0007422, OMIM 124500.
Nonsyndromic genetic hearing loss. Also called: Non-syndromic genetic deafness; Nonsyndromic genetic deafness; Nonsyndromic hearing loss and deafness. Identifiers: Orphanet 87884, MedGen C5680182, MONDO:0019497.
Monogenic hearing loss.
GJB2-related disorder. Also called: GJB2-related condition; GJB2-related disorders. Identifiers: MedGen CN382183, MONDO:1060236.

Allele frequency attached by ClinVar (database versions not stated): 1000 Genomes Project 30x 0.00031; ESP Exome Variant Server 0.00038; 1000 Genomes Project 0.00040; gnomAD 0.00058 and 0.00056; TOPMed 0.00051; ExAC 0.00068; gnomAD exomes 0.00061.
gnomAD v4.1: 1,122 of 1,608,054 alleles (0.07%); highest among the groups gnomAD compares: Non-Finnish European, 0.075%; 2 homozygotes.

Submissions 1 to 4 of 34:

ClinGen Hearing Loss Variant Curation Expert Panel
Classification: Likely pathogenic for Nonsyndromic genetic hearing loss. Last evaluated: 2021-04-12. Review status: reviewed by expert panel. Criteria: Clingen Hl Acmg Specifications Cdh23 Coch Gjb2 Kcnq4 Myo6 Myo7a Slc26a4 Tecta Ush2a V2. Collection method: curation. Allele origin: germline. Inheritance: Autosomal recessive inheritance.
Comment: The filtering allele frequency of the c.-22-2A>C variant in the GJB2 gene is 0.35% for Ashkenazi Jewish chromosomes in gnomAD v2.1.1 (95% CI of 47/10344), which meets the allele frequency threshold defined by the ClinGen Hearing Loss Expert Panel for considering strong evidence against pathogenicity for autosomal recessive hearing loss variants (BS1). However, based on the evidence outlined below, the ClinGen Hearing Loss Expert Panel believes that the evidence for the pathogenicity of this variant for nonsyndromic hearing loss outweighs its high allele frequency in population databases. Therefore, the BS1 code will not contribute to the overall classification. The c.-22-2A>C variant in the GJB2 gene has been detected in at least 9 patients with hearing loss in trans with the pathogenic c.35delG variant (PM3_Very Strong; PMID: 25401782, 24039984, 33096615; Invitae internal data, SCV000935680.2; Children’s Hospital of Philadelphia internal data, Molecular Otolaryngology and Renal Research Laboratories internal data) and one individual with the the p.Leu90Pro variant suspected in trans (PMID: 19814620). Phase was confirmed in at least 6 of these 10 observations.This variant has been reported to segregate with hearing loss in at least 2 family members (PP1; PMID: 24039984). It was also identified in the heterozygous state without a second variant in 8 individuals with hearing loss, and in the biallelic state (with c.35delG) in one individual with reportedly normal hearing (GeneDx, ARUP internal data, SCV000680741.2, SCV000603828.1). Of note, the severity of hearing loss is reported to be mild-moderate in affected probands, some with onset in the third to fourth decade, suggesting that this variant may be a hypomorphic allele. RNA analysis using patient cells demonstrated that the c.-22-2A>C variant leads to expression of a novel GJB2 transcript with a slightly longer 5' UTR but otherwise normal coding region. The alternate transcript was shown to have reduced expression, but it is not clear if the lower expression is sufficient to lead to a phenotype (PS3_Supporting; PMID: 24039984). In summary, the VCEP has used expert judgement to classify this variant as likely pathogenic for autosomal recessive hearing loss based on the ACMG/AMP criteria applied, as specified by the Hearing Loss Expert Panel: PM3_Very Strong, PP1, PS3_Supporting, BS1.

PreventionGenetics, part of Exact Sciences
Classification: Likely pathogenic for GJB2-related condition. Last evaluated: 2026-06-16. Review status: criteria provided, single submitter. Criteria: ACMG Guidelines, 2015. Collection method: clinical testing. Allele origin: germline. Not counted in ClinVar's aggregate classification.
Comment: The GJB2 c.-22-2A>C variant is located in the 5' untranslated region. This variant occurs at the splice acceptor site of the second exon of GJB2, which contains 22 nucleotides of UTR followed by the translation initiation codon. This variant has been reported in at least four patients with mild to moderate hearing loss from two families in the compound heterozygous state with a second pathogenic variant (Gandía et al. 2013. PubMed ID: 24039984; Stanghellini et al. 2014. PubMed ID: 25401782). This variant has also been shown to disrupt the canonical splice acceptor site, although some transcripts with an intact coding region were detected (Gandía et al. 2013. PubMed ID: 24039984). This variant is reported in 0.45% of alleles in individuals of Ashkenazi Jewish descent in gnomAD, which is higher than expected for a fully penetrant autosomal recessive pathogenic variant in this gene. This variant is classified by the ClinGen Hearing Loss Variant Curation Expert Panel as likely pathogenic for autosomal recessive hearing loss, noting the mild to moderate phenotype in some patients (Variation ID: 375406). This variant is interpreted as likely pathogenic.

Genetics Laboratory, Great Ormond Street Hospital NHS Foundation Trust, North Thames Genomic Laboratory Hub
Classification: Likely pathogenic for Monogenic hearing loss. Last evaluated: 2026-02-24. Review status: criteria provided, single submitter. Criteria: ACGS Best Practice Guidelines for Variant Classification in Rare Disease 2024 v1.2. Collection method: clinical testing. Allele origin: germline. Affected: yes. Not counted in ClinVar's aggregate classification.
Comment: BS1_strong, PS3_supporting, PP1_supporting, PM3_very-strong

Women's Health and Genetics/Laboratory Corporation of America, LabCorp
Classification: Pathogenic for Autosomal recessive nonsyndromic hearing loss 1A. Last evaluated: 2026-02-23. Review status: criteria provided, single submitter. Criteria: LabCorp Variant Classification Summary - May 2015. Collection method: clinical testing. Allele origin: germline. Not counted in ClinVar's aggregate classification.
Comment: Variant summary: GJB2 c.-22-2A>C is located in a canonical splice-site and is predicted to affect mRNA splicing resulting in a significantly altered protein due to either exon skipping, shortening, or inclusion of intronic material. Variants that disrupt the consensus splice site are a relatively common cause of aberrant splicing and loss of GJB2 function. Several computational tools predict a significant impact on normal splicing: Five predict the variant abolishes a 3 prime acceptor site. At least one publication reports experimental evidence that this variant affects mRNA splicing. The variant allele was found at a frequency of 0.00061 in 251058 control chromosomes. This frequency is not significantly higher than estimated for disease-causing variants in GJB2, allowing no conclusion about variant significance. c.-22-2A>C has been observed in multiple individuals affected with Autosomal Recessive Non-Syndromic Hearing Loss. These data indicate that the variant is very likely to be associated with disease. At least one publication reports experimental evidence evaluating an impact on protein function, however, does not allow convincing conclusions about the variant effect. The following publications have been ascertained in the context of this evaluation (PMID: 33096615, 26778469, 29986705, 24039984, 27057829, 35864128, 34652575, 31195736, 34062854, 38868966, 25401782). ClinVar contains an entry for this variant (Variation ID: 375406). Based on the evidence outlined above, the variant was classified as pathogenic.

NM_004004.6(GJB2):c.-22-2A>C

Gene: GJB2 (gap junction protein beta 2; minus strand). Cytogenetic location: 13q12.11.
Variant type: single nucleotide variant.
Coding change: c.-22-2A>C on transcript NM_004004.6 (MANE Select); the canonical splice acceptor site of the intron before 22 bases upstream of the start codon, A replaced by C.
Molecular consequence: splice acceptor variant.
Genome position (GRCh38, 1-based): chr13:20,189,605, T>G on the plus strand (A>C on the coding strand, the complement: GJB2 is on the minus strand). VCF-style: chr13-20189605-T-G. GRCh37 (hg19) VCF-style: chr13-20763744-T-G.
Identifiers: ClinVar variation 375406 (VCV000375406.81), dbSNP rs201895089, ClinGen allele CA6904346.
Genomic context (GRCh38, chr13:20,189,605, plus strand): 5'-CACCCCCCAGGATCGTCTGCAGCGTGCCCCAATCCATCTTCTACTCTGGGCGGTTTGCTC[T>G]GGAAAAGACGAATGCACACAACACAGGAATCACTAGCTAGGACAGAACAGGGAGACTTCT-3'